The following is an entry in ClinVar:

NM_002291.3(LAMB1):c.2964A>G (p.Glu988=)

Gene: LAMB1 (laminin subunit beta 1; minus strand). Cytogenetic location: 7q31.1.
Variant type: single nucleotide variant.
Coding change: c.2964A>G on transcript NM_002291.3 (MANE Select); coding-DNA position 2964, A replaced by G.
Protein change: p.Glu988=; no amino-acid change (glutamic acid 988 retained).
Molecular consequence: synonymous variant.
Genome position (GRCh38, 1-based): chr7:107,953,645, T>C on the plus strand (A>G on the coding strand, the complement: LAMB1 is on the minus strand). VCF-style: chr7-107953645-T-C. GRCh37 (hg19) VCF-style: chr7-107594090-T-C.
Identifiers: ClinVar variation 2673126 (VCV002673126.23), dbSNP rs2033308916, ClinGen allele CA457206398.

ClinVar aggregate classification (germline): Likely benign (1 of 4 stars; one submission).

Submission:

CeGaT Center for Human Genetics Tuebingen
Classification: Likely benign. Last evaluated: 2023-11-01. Review status: criteria provided, single submitter. Criteria: CeGaT Center For Human Genetics Tuebingen Variant Classification Criteria Version 2. Collection method: clinical testing. Allele origin: germline. Affected: yes. Observed: 1 variant allele.
Comment: LAMB1: PM2:Supporting, BP4, BP7